The following is an entry in ClinVar:

ClinVar aggregate classification (germline): Pathogenic (1 of 4 stars; one submission).

Submission:

ISCA Site 6
Classification: Pathogenic. Last evaluated: 2011-08-12. Review status: criteria provided, single submitter. Criteria: Kaminsky et al. (Genet Med. 2011). Collection method: clinical testing. Allele origin: unknown. Affected: yes. Observed: 1 variant allele.
Comment: Copy number variation identified through the course of routine clinical cytogenomic testing in postnatal populations. Clinical assertions have been curated as described in Kaminsky et al. 2011.

GRCh38/hg38 6p25.3-22.3(chr6:106431-18360595)x3

Genes: LY86 (lymphocyte antigen 86; plus strand), LY86-AS1 (LY86 antisense RNA 1; minus strand), LYRM4 (LYR motif containing 4; minus strand), LYRM4-AS1 (LYRM4 antisense RNA 1; plus strand), MAK (male germ cell associated kinase; minus strand) and 822 more. Cytogenetic location: 6p25.3-22.3.
Variant type: copy number gain.
Change: copy number 3 (three copies instead of two) of chr6:106,431-18,360,595 (18.25 Mb, GRCh38 coordinates, 1-based), cytogenetic band 6p25.3-22.3.
Identifiers: ClinVar variation 58124 (VCV000058124.3).